The following is an entry in ClinVar:

NM_000501.4(ELN):c.477del (p.Phe160fs)

Gene: ELN (elastin; plus strand). Cytogenetic location: 7q11.23.
Variant type: Deletion.
Coding change: c.477del on transcript NM_000501.4 (MANE Select); coding-DNA position 477, one base deleted (G; older notation c.477delG).
Protein change: p.Phe160fs; shifts the reading frame from phenylalanine 160.
Molecular consequence: frameshift variant. On other transcripts: intron variant (1).
Genome position (GRCh38, 1-based): chr7:74,045,229, G deleted; the last of 2 consecutive G bases (chr7:74,045,228-74,045,229); deleting either gives the same sequence. VCF-style (leftmost placement, unchanged base first): chr7-74045227-CG-C. GRCh37 (hg19) VCF-style: chr7-73459557-CG-C.
Other names: c.447del, p.Phe150fs (NM_001081752.3, NM_001278917.2); c.492del, p.Phe165fs (NM_001081753.3, NM_001081754.3); c.477del, p.Phe160fs (NM_001081755.3, NM_001278912.2, NM_001278915.2 and 2 more transcripts); c.441del, p.Phe148fs (NM_001278913.2); c.462del, p.Phe155fs (NM_001278914.2); c.439+1309del (NM_001278918.2); short protein forms F148fs, F160fs, F150fs, F155fs, F165fs.
Identifiers: ClinVar variation 213186 (VCV000213186.2), dbSNP rs863223519, ClinGen allele CA322309.
Genomic context (GRCh38, chr7:74,045,227, plus strand): 5'-CCAGCAGGGCCTGCAAGGCCTGCCTTCCTACACTCACTGCTTTGTCCCCCGGCAGGAGCT[CG>C]GTTCCCCGGTGTGGGGGTGCTCCCTGGAGTTCCCACTGGAGCAGGAGTTAAGCCCAAGGC-3'

ClinVar aggregate classification (germline): Pathogenic (1 of 4 stars; one submission).

Submission:

GeneDx
Classification: Pathogenic. Last evaluated: 2015-09-25. Review status: criteria provided, single submitter. Criteria: GeneDx Variant Classification (06012015). Collection method: clinical testing. Allele origin: germline. Affected: yes.
Comment: The c.477delG mutation in the ELN gene causes a frameshift starting with codon Phenylalanine 160, changes this amino acid to a Serine residue and creates a premature Stop codon at position 23 of the new reading frame, denoted p.Phe160SerfsX23. This mutation is predicted to cause loss of normal protein function either through protein truncation or nonsense-mediated mRNA decay. This mutation has not been previously reported to our knowledge. This variant was found in ELN